The following is an entry in ClinVar:

NM_003073.5(SMARCB1):c.672C>A (p.Asp224Glu)

Gene: SMARCB1 (SWI/SNF related BAF chromatin remodeling complex subunit B1; plus strand). Cytogenetic location: 22q11.23.
Variant type: single nucleotide variant.
Coding change: c.672C>A on transcript NM_003073.5 (MANE Select); coding-DNA position 672, C replaced by A.
Protein change: p.Asp224Glu; replaces aspartic acid 224 with glutamic acid.
Molecular consequence: missense variant.
Genome position (GRCh38, 1-based): chr22:23,816,813, C>A. VCF-style: chr22-23816813-C-A. GRCh37 (hg19) VCF-style: chr22-24159000-C-A.
Other names: c.645C>A, p.Asp215Glu (NM_001007468.3); c.699C>A, p.Asp233Glu (NM_001317946.2); c.726C>A, p.Asp242Glu (NM_001362877.2); short protein forms D224E, D233E, D215E, D242E.
Identifiers: ClinVar variation 3798943 (VCV003798943.1).

ClinVar aggregate classification (germline): Uncertain significance (1 of 4 stars; one submission).

Conditions:
Hereditary cancer-predisposing syndrome. Also called: Neoplastic Syndromes, Hereditary; Hereditary Cancer Syndrome; Tumor predisposition; Hereditary neoplastic syndrome. Identifiers: Orphanet 140162, MedGen C0027672, MeSH D009386, MONDO:0015356.

Submission:

Ambry Genetics
Classification: Uncertain significance for Hereditary cancer-predisposing syndrome. Last evaluated: 2025-03-10. Review status: criteria provided, single submitter. Criteria: Ambry Variant Classification Scheme 2023. Collection method: clinical testing. Allele origin: germline.
Comment: The p.D224E variant (also known as c.672C>A), located in coding exon 6 of the SMARCB1 gene, results from a C to A substitution at nucleotide position 672. The aspartic acid at codon 224 is replaced by glutamic acid, an amino acid with highly similar properties. This amino acid position is conserved. In addition, this alteration is predicted to be tolerated by in silico analysis. Based on the available evidence, the clinical significance of this variant remains unclear.